The following is an entry in ClinVar:

NM_005422.4(TECTA):c.2064G>A (p.Lys688=)

Genes: TBCEL-TECTA (TBCEL-TECTA readthrough; plus strand), TECTA (tectorin alpha; plus strand). Cytogenetic location: 11q23.3.
Variant type: single nucleotide variant.
Coding change: c.2064G>A on transcript NM_005422.4 (MANE Select); coding-DNA position 2064, G replaced by A.
Protein change: p.Lys688=; no amino-acid change (lysine 688 retained).
Molecular consequence: synonymous variant.
Genome position (GRCh38, 1-based): chr11:121,128,041, G>A. VCF-style: chr11-121128041-G-A. GRCh37 (hg19) VCF-style: chr11-120998750-G-A.
Other names: c.3021G>A, p.Lys1007= (NM_001378761.1).
Identifiers: ClinVar variation 1311896 (VCV001311896.5), dbSNP rs375140632, ClinGen allele CA6326904.
Genomic context (GRCh38, chr11:121,128,041, plus strand): 5'-GGCCAACTGCACTGTGCAATGCCTGTGCGAGGAGGGCGGGGACGTCTACTGCTTCAACAA[G>A]ACCTGCGGCAGCGGGGAGGTGTGCGCCGTGGAGGACGGCTACCAGGGCTGCTTCCCCAAG-3'
Protein context (NP_005413.2, residues 678-698): EEGGDVYCFN[Lys688=]TCGSGEVCAV

ClinVar aggregate classification (germline): Conflicting classifications of pathogenicity. Review status: criteria provided, conflicting classifications (1 of 4 stars). 2 submissions from 2 submitters: Uncertain significance (1); Likely benign (1). Last evaluated 2025-10-13.

Allele frequency attached by ClinVar (database versions not stated): gnomAD 0.00004; ExAC 0.00001; ESP Exome Variant Server 0.00008; gnomAD exomes 0.00003; TOPMed 0.00004.
gnomAD v4.1: 88 of 1,612,778 alleles (0.0055%); highest among the groups gnomAD compares: Non-Finnish European, 0.0069%; no homozygotes.

Submissions (2):

Labcorp Genetics (formerly Invitae), Labcorp
Classification: Likely benign. Last evaluated: 2025-10-13. Review status: criteria provided, single submitter. Criteria: Invitae Variant Classification Sherloc (09022015). Collection method: clinical testing. Allele origin: germline.

GeneDx
Classification: Uncertain significance. Last evaluated: 2020-01-13. Review status: criteria provided, single submitter. Criteria: GeneDx Variant Classification Process June 2021. Collection method: clinical testing. Allele origin: germline. Affected: yes.
Comment: In silico analysis, which includes splice predictors and evolutionary conservation, supports that this variant does not alter protein structure/function; Has not been previously published as pathogenic or benign to our knowledge